The following is an entry in ClinVar:

NM_205836.3(FBXO38):c.641A>G (p.Tyr214Cys)

Gene: FBXO38 (F-box protein 38; plus strand). Cytogenetic location: 5q32.
Variant type: single nucleotide variant.
Coding change: c.641A>G on transcript NM_205836.3 (MANE Select); coding-DNA position 641, A replaced by G.
Protein change: p.Tyr214Cys; replaces tyrosine 214 with cysteine.
Molecular consequence: missense variant.
Genome position (GRCh38, 1-based): chr5:148,404,733, A>G. VCF-style: chr5-148404733-A-G. GRCh37 (hg19) VCF-style: chr5-147784296-A-G.
Other names: c.641A>G, p.Tyr214Cys (NM_001271723.2, NM_030793.5); short protein forms Y214C.
Identifiers: ClinVar variation 2065741 (VCV002065741.4), dbSNP rs776215149, ClinGen allele CA3497089.
Genomic context (GRCh38, chr5:148,404,733, plus strand): 5'-TTTGTGTTTTAGGGGTGAATGTTCCTGAAATTCCTTGTATCCCAATGCTAAGGCACCTTT[A>G]TATGAAGTGGGTAAGACTCACTAAACCACAGCCATTTAAAGACTTCCTTTGTATCAGCTT-3'
Protein context (NP_995308.1, residues 204-224): IPCIPMLRHL[Tyr214Cys]MKWVRLTKPQ

ClinVar aggregate classification (germline): Uncertain significance (1 of 4 stars; one submission).

Conditions:
Distal hereditary motor neuropathy type 2. Identifiers: Orphanet 139525, MedGen C3711384, MeSH C580044, MONDO:0015352.

Allele frequency attached by ClinVar (database versions not stated): gnomAD 0.00001; gnomAD exomes 0.00001; ExAC 0.00002.
gnomAD v4.1: 7 of 1,604,758 alleles (0.00044%); highest among the groups gnomAD compares: East Asian, 0.016%; no homozygotes.

Submission:

Labcorp Genetics (formerly Invitae), Labcorp
Classification: Uncertain significance for Distal hereditary motor neuropathy type 2. Last evaluated: 2025-07-16. Review status: criteria provided, single submitter. Criteria: Invitae Variant Classification Sherloc (09022015). Collection method: clinical testing. Allele origin: germline.
Comment: This sequence change replaces tyrosine, which is neutral and polar, with cysteine, which is neutral and slightly polar, at codon 214 of the FBXO38 protein (p.Tyr214Cys). This variant is present in population databases (rs776215149, gnomAD 0.04%). This variant has not been reported in the literature in individuals affected with FBXO38-related conditions. ClinVar contains an entry for this variant (Variation ID: 2065741). Invitae Evidence Modeling of protein sequence and biophysical properties (such as structural, functional, and spatial information, amino acid conservation, physicochemical variation, residue mobility, and thermodynamic stability) indicates that this missense variant is not expected to disrupt FBXO38 protein function with a negative predictive value of 80%. In summary, the available evidence is currently insufficient to determine the role of this variant in disease. Therefore, it has been classified as a Variant of Uncertain Significance.